The following is an entry in ClinVar:

ClinVar aggregate classification (germline): Likely pathogenic (1 of 4 stars; one submission).

Conditions:
Neurofibromatosis, type 1 (NF1). Also called: Peripheral type neurofibromatosis; Neurofibromatosis, type I; NEUROFIBROMATOSIS, TYPE I, SOMATIC; VON RECKLINGHAUSEN DISEASE. Identifiers: Orphanet 636, MedGen C0027831, MONDO:0018975, OMIM 162200. Disease mechanism: loss of function.

Submission:

OLLIN Analises Genomicas, OLLIN
Classification: Likely pathogenic for Neurofibromatosis, type 1. Last evaluated: 2025-10-31. Review status: criteria provided, single submitter. Criteria: ACMG Guidelines 2015 PMID 25741868. Collection method: clinical testing. Allele origin: germline. Affected: yes. Observed: 1 variant allele.
Comment: The frameshift variant (chr17:31235921TA>T), located in exon 29 (of 58), is not reported in the gnomAD v4.1 non-UKB or ClinVar databases, nor has it been found in the scientific literature. This variant promotes a change in the reading frame with subsequent introduction of a premature stop codon, resulting in a truncated protein or mRNA degradation via nonsense-mediated decay (NMD). According to currently available evidence, this variant has been classified as likely pathogenic (PVS1, PM2_P).

NM_001042492.3(NF1):c.3875del (p.Tyr1292fs)

Gene: NF1 (neurofibromin 1; plus strand). Cytogenetic location: 17q11.2.
Variant type: Deletion.
Coding change: c.3875del on transcript NM_001042492.3 (MANE Select); coding-DNA position 3875, one base deleted (A; older notation c.3875delA).
Protein change: p.Tyr1292fs; shifts the reading frame from tyrosine 1292.
Molecular consequence: frameshift variant.
Genome position (GRCh38, 1-based): chr17:31,235,922, A deleted. VCF-style (leftmost placement, unchanged base first): chr17-31235921-TA-T. GRCh37 (hg19) VCF-style: chr17-29562939-TA-T.
Other names: c.3875del, p.Tyr1292fs (NM_000267.4); short protein forms Y1292fs.
Identifiers: ClinVar variation 4814144 (VCV004814144.1).
Genomic context (GRCh38, chr17:31,235,921, plus strand): 5'-TTTAAGGTAAAATATATGGAGCAGGTATAATAAACTCCTATTCGTGCATTTCTGTAGGTA[TA>T]TGGTGCTACCTATCTACAAAAACTCCTGGATCCTTTATTACGAATTGTGATCACATCCTC-3'